The following is an entry in ClinVar:

NM_020469.4(ABO):c.768C>T (p.Ile256=)

Gene: ABO (ABO, alpha 1-3-N-acetylgalactosaminyltransferase and alpha 1-3-galactosyltransferase; minus strand). Cytogenetic location: 9q34.2.
Variant type: single nucleotide variant.
Coding change: c.768C>T on transcript NM_020469.4; coding-DNA position 768, C replaced by T.
Protein change: p.Ile256=; no amino-acid change (isoleucine 256 retained).
Molecular consequence: synonymous variant.
Genome position (GRCh38, 1-based): chr9:133,255,963, G>A on the plus strand (C>T on the coding strand, the complement: ABO is on the minus strand). VCF-style: chr9-133255963-G-A. GRCh37 (hg19) VCF-style: chr9-136131350-G-A.
Identifiers: ClinVar variation 3035005 (VCV003035005.1), dbSNP rs8176744, ClinGen allele CA467852755.

ClinVar aggregate classification (germline): Likely benign (1 of 4 stars; one submission).

Conditions:
ABO-related disorder. Also called: ABO-related condition.

Submission:

PreventionGenetics, part of Exact Sciences
Classification: Likely benign for ABO-related condition. Last evaluated: 2020-12-17. Review status: criteria provided, single submitter. Criteria: ACMG Guidelines, 2015. Collection method: clinical testing. Allele origin: germline.
Comment: This variant is classified as likely benign based on ACMG/AMP sequence variant interpretation guidelines (Richards et al. 2015 PMID: 25741868, with internal and published modifications).